The following is an entry in ClinVar:

NM_000350.3(ABCA4):c.4128+15del

Gene: ABCA4 (ATP binding cassette subfamily A member 4; minus strand). Cytogenetic location: 1p22.1.
Variant type: Deletion.
Coding change: c.4128+15del on transcript NM_000350.3 (MANE Select); 15 bases into the intron after coding-DNA position 4128, one base deleted (C; older notation c.4128+15delC).
Molecular consequence: intron variant.
Genome position (GRCh38, 1-based): chr1:94,031,763, G deleted on the plus strand (C on the coding strand, the reverse complement: ABCA4 is on the minus strand). VCF-style (leftmost placement, unchanged base first): chr1-94031762-CG-C. GRCh37 (hg19) VCF-style: chr1-94497318-CG-C.
Identifiers: ClinVar variation 1639209 (VCV001639209.10), dbSNP rs879181227, ClinGen allele CA26855300.

ClinVar aggregate classification (germline): Uncertain significance. Review status: reviewed by expert panel (3 of 4 stars). 3 submissions from 3 submitters: Uncertain significance (1). 2 of the submissions do not count toward it. Last evaluated 2026-03-24.

Conditions:
ABCA4-related retinopathy. Also called: ABCA4 retinoapthy; ABCA4-related retinoapthy. Identifiers: MedGen CN322612, MONDO:0800406.

Allele frequency attached by ClinVar (database versions not stated): gnomAD exomes 0.00001; TOPMed 0.00001.

Submissions (3):

ClinGen ABCA4 Variant Curation Expert Panel, Clingen
Classification: Uncertain significance for ABCA4-related retinopathy. Last evaluated: 2026-03-24. Review status: reviewed by expert panel. Criteria: ClinGen ABCA4 ACMG Specifications V1.0.0. Collection method: curation. Allele origin: germline. Inheritance: Autosomal recessive inheritance.
Comment: The c.4128+15del (NM_000350.3) variant in ABCA4 is an intronic variant, which is absent from gnomAD v4.1.0 meeting PM2_Supporting. The computational splicing predictor SpliceAI gives it a delta score of 0.03 for acceptor gain and 0 for donor gain, which are below the ClinGen ABCA4 VCEP BP4 threshold of <0.1 and therefore does predict a splicing defect meeting BP4. This intronic variant is not located within either of the regions immediately flanking the exon (between +1 and +7 or between -1 and -21); therefore, BP7 is not met. Due to limited evidence, this variant is classified as a variant of uncertain significance for autosomal recessive ABCA4-related retinopathy based on the ACMG/AMP criteria applied, as specified by the ClinGen ABCA4 VCEP Specification Version 1.0.0: PM2_Supporting, BP4.

Labcorp Genetics (formerly Invitae), Labcorp
Classification: Likely benign. Last evaluated: 2025-07-28. Review status: criteria provided, single submitter. Criteria: Invitae Variant Classification Sherloc (09022015). Collection method: clinical testing. Allele origin: germline. Not counted in ClinVar's aggregate classification.

Blueprint Genetics
Classification: Uncertain significance. Last evaluated: 2021-03-26. Review status: criteria provided, single submitter. Criteria: ACMG Guidelines, 2015. Collection method: clinical testing. Allele origin: germline. Not counted in ClinVar's aggregate classification.